The following is an entry in ClinVar:

NM_133433.4(NIPBL):c.2356A>G (p.Thr786Ala)

Gene: NIPBL (NIPBL cohesin loading factor; plus strand). Cytogenetic location: 5p13.2.
Variant type: single nucleotide variant.
Coding change: c.2356A>G on transcript NM_133433.4 (MANE Select); coding-DNA position 2356, A replaced by G.
Protein change: p.Thr786Ala; replaces threonine 786 with alanine.
Molecular consequence: missense variant.
Genome position (GRCh38, 1-based): chr5:36,985,536, A>G. VCF-style: chr5-36985536-A-G. GRCh37 (hg19) VCF-style: chr5-36985638-A-G.
Other names: c.2356A>G, p.Thr786Ala (NM_015384.5); short protein forms T786A.
Identifiers: ClinVar variation 2167183 (VCV002167183.5), dbSNP rs1040265113, ClinGen allele CA117044439.

ClinVar aggregate classification (germline): Uncertain significance. Review status: criteria provided, multiple submitters, no conflicts (2 of 4 stars). 2 submissions from 2 submitters: Uncertain significance (2). Last evaluated 2025-12-13.

Conditions:
Cornelia de Lange syndrome 1 (CDLS1). Also called: NIPBL-Related Cornelia de Lange Syndrome; TYPUS DEGENERATIVUS AMSTELODAMENSIS; Brachmann de Lange syndrome. Identifiers: Orphanet 199, MedGen C4551851, MONDO:0007387, OMIM 122470.

Allele frequency attached by ClinVar (database versions not stated): gnomAD exomes below 0.00001; gnomAD 0.00001; TOPMed 0.00001.
gnomAD v4.1: 4 of 1,613,676 alleles (0.00025%); highest among the groups gnomAD compares: Admixed American, 0.005%; no homozygotes.

Submissions (2):

Labcorp Genetics (formerly Invitae), Labcorp
Classification: Uncertain significance for Cornelia de Lange syndrome 1. Last evaluated: 2025-12-13. Review status: criteria provided, single submitter. Criteria: Invitae Variant Classification Sherloc (09022015). Collection method: clinical testing. Allele origin: germline.
Comment: This sequence change replaces threonine, which is neutral and polar, with alanine, which is neutral and non-polar, at codon 786 of the NIPBL protein (p.Thr786Ala). This variant is present in population databases (no rsID available, gnomAD no frequency). This variant has not been reported in the literature in individuals affected with NIPBL-related conditions. ClinVar contains an entry for this variant (Variation ID: 2167183). Invitae Evidence Modeling of protein sequence and biophysical properties (such as structural, functional, and spatial information, amino acid conservation, physicochemical variation, residue mobility, and thermodynamic stability) indicates that this missense variant is not expected to disrupt NIPBL protein function with a negative predictive value of 95%. In summary, the available evidence is currently insufficient to determine the role of this variant in disease. Therefore, it has been classified as a Variant of Uncertain Significance.

Fulgent Genetics
Classification: Uncertain significance for Cornelia de Lange syndrome 1. Last evaluated: 2024-04-08. Review status: criteria provided, single submitter. Criteria: ACMG Guidelines, 2015. Collection method: clinical testing. Allele origin: germline.